The following is an entry in ClinVar:

ClinVar aggregate classification (germline): Pathogenic (1 of 4 stars; one submission).

Conditions:
Hypertrophic cardiomyopathy. Also called: HYPERTROPHIC MYOCARDIOPATHY. Identifiers: Orphanet 217569, MedGen C0007194, MeSH D002312, MONDO:0005045, HP:0001639.

Submission:

Labcorp Genetics (formerly Invitae), Labcorp
Classification: Pathogenic for Hypertrophic cardiomyopathy. Last evaluated: 2024-07-10. Review status: criteria provided, single submitter. Criteria: Invitae Variant Classification Sherloc (09022015). Collection method: clinical testing. Allele origin: germline.
Comment: This sequence change creates a premature translational stop signal (p.Ala1152Glufs*39) in the MYBPC3 gene. It is expected to result in an absent or disrupted protein product. Loss-of-function variants in MYBPC3 are known to be pathogenic (PMID: 19574547). This variant is not present in population databases (gnomAD no frequency). This variant has not been reported in the literature in individuals affected with MYBPC3-related conditions. For these reasons, this variant has been classified as Pathogenic.

Literature cited by the submitters: PubMed 19574547.

NM_000256.3(MYBPC3):c.3448_3452dup (p.Ala1152fs)

Gene: MYBPC3 (myosin binding protein C3; minus strand). Cytogenetic location: 11p11.2.
Variant type: Duplication.
Coding change: c.3448_3452dup on transcript NM_000256.3 (MANE Select); coding-DNA positions 3448 to 3452, 5 bases duplicated (AGAGC; older notation c.3448_3452dupAGAGC).
Protein change: p.Ala1152fs; shifts the reading frame from alanine 1152.
Molecular consequence: frameshift variant.
Genome position (GRCh38, 1-based): chr11:47,332,852-47,332,856, GCTCT duplicated on the plus strand (AGAGC on the coding strand, the reverse complement: MYBPC3 is on the minus strand); duplicating any 5 consecutive bases within chr11:47,332,852-47,332,857 gives the same sequence; the c. name uses the placement nearest the transcript's 3' end. VCF-style (leftmost placement, unchanged base first): chr11-47332851-C-CGCTCT. GRCh37 (hg19) VCF-style: chr11-47354402-C-CGCTCT.
Other names: short protein forms A1152fs.
Identifiers: ClinVar variation 3659117 (VCV003659117.2).